The following is an entry in ClinVar:

NM_005732.4(RAD50):c.1040T>C (p.Leu347Pro)

Gene: RAD50 (RAD50 double strand break repair protein; plus strand). Cytogenetic location: 5q31.1.
Variant type: single nucleotide variant.
Coding change: c.1040T>C on transcript NM_005732.4 (MANE Select); coding-DNA position 1040, T replaced by C.
Protein change: p.Leu347Pro; replaces leucine 347 with proline.
Molecular consequence: missense variant.
Genome position (GRCh38, 1-based): chr5:132,588,078, T>C. VCF-style: chr5-132588078-T-C. GRCh37 (hg19) VCF-style: chr5-131923770-T-C.
Other names: short protein forms L347P.
Identifiers: ClinVar variation 998805 (VCV000998805.11), dbSNP rs1750629036, ClinGen allele CA360941673.

ClinVar aggregate classification (germline): Uncertain significance. Review status: criteria provided, multiple submitters, no conflicts (2 of 4 stars). 2 submissions from 2 submitters: Uncertain significance (2). Last evaluated 2021-06-22.

Conditions:
Hereditary cancer-predisposing syndrome. Also called: Neoplastic Syndromes, Hereditary; Tumor predisposition; Hereditary Cancer Syndrome; Hereditary neoplastic syndrome. Identifiers: Orphanet 140162, MedGen C0027672, MeSH D009386, MONDO:0015356.

Submissions (2):

Ambry Genetics
Classification: Uncertain significance for Hereditary cancer-predisposing syndrome. Last evaluated: 2021-06-22. Review status: criteria provided, single submitter. Criteria: Ambry Variant Classification Scheme 2023. Collection method: clinical testing. Allele origin: germline.
Comment: The p.L347P variant (also known as c.1040T>C), located in coding exon 7 of the RAD50 gene, results from a T to C substitution at nucleotide position 1040. The leucine at codon 347 is replaced by proline, an amino acid with similar properties. This amino acid position is conserved. In addition, the in silico prediction for this alteration is inconclusive. Since supporting evidence is limited at this time, the clinical significance of this alteration remains unclear.

Labcorp Genetics (formerly Invitae), Labcorp
Classification: Uncertain significance for Hereditary cancer-predisposing syndrome. Last evaluated: 2020-09-24. Review status: criteria provided, single submitter. Criteria: Invitae Variant Classification Sherloc (09022015). Collection method: clinical testing. Allele origin: germline.
Comment: In summary, the available evidence is currently insufficient to determine the role of this variant in disease. Therefore, it has been classified as a Variant of Uncertain Significance. Algorithms developed to predict the effect of missense changes on protein structure and function are either unavailable or do not agree on the potential impact of this missense change (SIFT: "Deleterious"; PolyPhen-2: "Probably Damaging"; Align-GVGD: "Class C0"). This variant has not been reported in the literature in individuals with RAD50-related conditions. This variant is not present in population databases (ExAC no frequency). This sequence change replaces leucine with proline at codon 347 of the RAD50 protein (p.Leu347Pro). The leucine residue is moderately conserved and there is a moderate physicochemical difference between leucine and proline.